The following is an entry in ClinVar:

ClinVar aggregate classification (germline): Likely benign. Review status: criteria provided, multiple submitters, no conflicts (2 of 4 stars). 3 submissions from 3 submitters: Likely benign (3). Last evaluated 2025-07-25.

Conditions:
Catecholaminergic polymorphic ventricular tachycardia 1. Also called: RYR2-Related Catecholaminergic Polymorphic Ventricular Tachycardia; VENTRICULAR TACHYCARDIA, CATECHOLAMINERGIC POLYMORPHIC, 1, WITH OR WITHOUT ATRIAL DYSFUNCTION AND/OR DILATED CARDIOMYOPATHY; VENTRICULAR TACHYCARDIA, STRESS-INDUCED POLYMORPHIC 1. Identifiers: Orphanet 3286, MedGen C1631597, MONDO:0011484, OMIM 604772.
Cardiomyopathy (CMYO). Also called: Cardiomyopathies. Identifiers: Orphanet 167848, MedGen C0878544, MONDO:0004994, HP:0001638. Inheritance: Various modes of inheritance.

Allele frequency attached by ClinVar (database versions not stated): gnomAD exomes 0.00001.
gnomAD v4.1: 6 of 1,612,660 alleles (0.00037%); highest among the groups gnomAD compares: Non-Finnish European, 0.00051%; no homozygotes.

Submissions (3):

Labcorp Genetics (formerly Invitae), Labcorp
Classification: Likely benign for Catecholaminergic polymorphic ventricular tachycardia 1. Last evaluated: 2025-07-25. Review status: criteria provided, single submitter. Criteria: Invitae Variant Classification Sherloc (09022015). Collection method: clinical testing. Allele origin: germline.

Color Diagnostics, LLC DBA Color Health
Classification: Likely benign for Cardiomyopathy. Last evaluated: 2025-05-25. Review status: criteria provided, single submitter. Criteria: ACMG Guidelines, 2015. Collection method: clinical testing. Allele origin: germline.

GeneDx
Classification: Likely benign. Last evaluated: 2016-05-26. Review status: criteria provided, single submitter. Criteria: GeneDx Variant Classification (06012015). Collection method: clinical testing. Allele origin: germline. Affected: yes.
Comment: This variant is considered likely benign or benign based on one or more of the following criteria: it is a conservative change, it occurs at a poorly conserved position in the protein, it is predicted to be benign by multiple in silico algorithms, and/or has population frequency not consistent with disease.

NM_001035.3(RYR2):c.13428A>C (p.Pro4476=)

Gene: RYR2 (ryanodine receptor 2; plus strand). Cytogenetic location: 1q43.
Variant type: single nucleotide variant.
Coding change: c.13428A>C on transcript NM_001035.3 (MANE Select); coding-DNA position 13428, A replaced by C.
Protein change: p.Pro4476=; no amino-acid change (proline 4476 retained).
Molecular consequence: synonymous variant.
Genome position (GRCh38, 1-based): chr1:237,788,087, A>C. VCF-style: chr1-237788087-A-C. GRCh37 (hg19) VCF-style: chr1-237951387-A-C.
Other names: c.13428A>C, p.Pro4476= (LRG_402t1).
Identifiers: ClinVar variation 386624 (VCV000386624.10), dbSNP rs1057522551, ClinGen allele CA16603577.